The following is an entry in ClinVar:

NM_020457.3(THAP11):c.404C>T (p.Pro135Leu)

Genes: CENPT (centromere protein T; minus strand), THAP11 (THAP domain containing 11; plus strand). Cytogenetic location: 16q22.1.
Variant type: single nucleotide variant.
Coding change: c.404C>T on transcript NM_020457.3 (MANE Select); coding-DNA position 404, C replaced by T.
Protein change: p.Pro135Leu; replaces proline 135 with leucine.
Molecular consequence: missense variant. On other transcripts: intron variant (1).
Genome position (GRCh38, 1-based): chr16:67,842,958, C>T. VCF-style: chr16-67842958-C-T. GRCh37 (hg19) VCF-style: chr16-67876861-C-T.
Other names: c.-492+4443G>A (NM_025082.4); short protein forms P135L.
Identifiers: ClinVar variation 1382500 (VCV001382500.8), dbSNP rs1286169051, ClinGen allele CA396397073.
Genomic context (GRCh38, chr16:67,842,958, plus strand): 5'-AGCAACAGCAGCAGCAGCAGCAACAGCAGCAGCAGCAGCAGCAGCAGCAGCAGTCCTCAC[C>T]CTCTGCCTCCACTGCCCAGACTGCCCAGCTGCAGCCGAACCTGGTATCTGCTTCCGCGGC-3'
Protein context (NP_065190.2, residues 125-145): QQQQQQQQSS[Pro135Leu]SASTAQTAQL

ClinVar aggregate classification (germline): Uncertain significance (1 of 4 stars; one submission).

Allele frequency attached by ClinVar (database versions not stated): gnomAD 0.00001; gnomAD exomes 0.00001; TOPMed 0.00001.
gnomAD v4.1: 10 of 1,605,418 alleles (0.00062%); highest among the groups gnomAD compares: African/African-American, 0.0027%; no homozygotes.

Submission:

Labcorp Genetics (formerly Invitae), Labcorp
Classification: Uncertain significance. Last evaluated: 2021-05-12. Review status: criteria provided, single submitter. Criteria: Invitae Variant Classification Sherloc (09022015). Collection method: clinical testing. Allele origin: germline.
Comment: In summary, the available evidence is currently insufficient to determine the role of this variant in disease. Therefore, it has been classified as a Variant of Uncertain Significance. Algorithms developed to predict the effect of missense changes on protein structure and function are either unavailable or do not agree on the potential impact of this missense change (SIFT: "Deleterious"; PolyPhen-2: "Not Available"; Align-GVGD: "Class C0"). This variant has not been reported in the literature in individuals with THAP11-related conditions. This variant is not present in population databases (ExAC no frequency). This sequence change replaces proline with leucine at codon 135 of the THAP11 protein (p.Pro135Leu). The proline residue is highly conserved and there is a moderate physicochemical difference between proline and leucine.